The following is an entry in ClinVar:

ClinVar aggregate classification (germline): Likely benign. Review status: criteria provided, multiple submitters, no conflicts (2 of 4 stars). 4 submissions from 4 submitters: Likely benign (4). Last evaluated 2026-04-29.

Conditions:
DHX38-related disorder. Also called: DHX38-related condition.
Retinal dystrophy. Also called: Inherited retinal dystrophy. Identifiers: Orphanet 71862, MedGen C0854723, MeSH D058499, MONDO:0019118, HP:0000556.

Allele frequency attached by ClinVar (database versions not stated): gnomAD exomes 0.00006; ExAC 0.00008; ESP Exome Variant Server 0.00008; gnomAD 0.00010; 1000 Genomes Project 30x 0.00016; 1000 Genomes Project 0.00020.

Submissions (4):

PreventionGenetics, part of Exact Sciences
Classification: Likely benign for DHX38-related condition. Last evaluated: 2026-04-29. Review status: criteria provided, single submitter. Criteria: ACMG Guidelines, 2015. Collection method: clinical testing. Allele origin: germline.
Comment: This variant is classified as likely benign based on ACMG/AMP sequence variant interpretation guidelines (Richards et al. 2015 PMID: 25741868, with internal and published modifications).

Labcorp Genetics (formerly Invitae), Labcorp
Classification: Likely benign. Last evaluated: 2025-09-19. Review status: criteria provided, single submitter. Criteria: Invitae Variant Classification Sherloc (09022015). Collection method: clinical testing. Allele origin: germline.

Blueprint Genetics
Classification: Likely benign. Last evaluated: 2024-11-07. Review status: criteria provided, single submitter. Criteria: ACMG Guidelines, 2015. Collection method: clinical testing. Allele origin: germline.

Dept Of Ophthalmology, Nagoya University
Classification: Likely benign for Retinal dystrophy. Last evaluated: 2023-10-01. Review status: criteria provided, single submitter. Criteria: Submitter's publication. Collection method: research. Allele origin: germline. Affected: yes.

NM_014003.4(DHX38):c.2652C>T (p.Pro884=)

Gene: DHX38 (DEAH-box helicase 38; plus strand). Cytogenetic location: 16q22.2.
Variant type: single nucleotide variant.
Coding change: c.2652C>T on transcript NM_014003.4 (MANE Select); coding-DNA position 2652, C replaced by T.
Protein change: p.Pro884=; no amino-acid change (proline 884 retained).
Molecular consequence: synonymous variant.
Genome position (GRCh38, 1-based): chr16:72,107,391, C>T. VCF-style: chr16-72107391-C-T. GRCh37 (hg19) VCF-style: chr16-72141290-C-T.
Identifiers: ClinVar variation 789338 (VCV000789338.13), dbSNP rs146025146, ClinGen allele CA8160734.
Genomic context (GRCh38, chr16:72,107,391, plus strand): 5'-CCCCGGCAGGCTCTACACCCAGAGCGCCTACAAGAATGAGCTCCTGACCACCACAGTGCC[C>T]GAGATCCAGAGGACTAACCTGGCCAACGTGGTGCTGCTGCTCAAGTCCCTCGGGGTGCAG-3'
Protein context (NP_054722.2, residues 874-894): YKNELLTTTV[Pro884=]EIQRTNLANV